The following is an entry in ClinVar:

NM_000719.7(CACNA1C):c.3862G>A (p.Ala1288Thr)

Gene: CACNA1C (calcium voltage-gated channel subunit alpha1 C; plus strand). Cytogenetic location: 12p13.33.
Variant type: single nucleotide variant.
Coding change: c.3862G>A on transcript NM_000719.7 (MANE Select); coding-DNA position 3862, G replaced by A.
Protein change: p.Ala1288Thr; replaces alanine 1288 with threonine.
Molecular consequence: missense variant. On other transcripts: intron variant (6).
Genome position (GRCh38, 1-based): chr12:2,634,330, G>A. VCF-style: chr12-2634330-G-A. GRCh37 (hg19) VCF-style: chr12-2743496-G-A.
Other names: p.A1288T:GCC>ACC; c.4006G>A, p.Ala1336Thr (NM_001129827.2, NM_199460.4); c.3862G>A, p.Ala1288Thr (NM_001129829.2, NM_001129830.3, NM_001129834.2 and 8 more transcripts); c.3946G>A, p.Ala1316Thr (NM_001129831.2, NM_001129836.2); c.3922G>A, p.Ala1308Thr (NM_001129832.2); c.3912+618G>A (NM_001167624.3, NM_001167623.2, NM_001129833.2 and 2 more transcripts); c.3903+618G>A (NM_001129844.2); short protein forms A1288T, A1336T, A1308T, A1316T.
Identifiers: ClinVar variation 190664 (VCV000190664.21), dbSNP rs367895193, ClinGen allele CA301467.
Genomic context (GRCh38, chr12:2,634,330, plus strand): 5'-TCTCCCCGGCTGCTCTGCCCCATGCAGCACTATTTCTGTGATGCATGGAATACATTTGAC[G>A]CCTTGATTGTTGTGGGTAGCATTGTTGATATAGCAATCACCGAGGTAAACGTAAGTACAT-3'
Protein context (NP_000710.5, residues 1278-1298): YFCDAWNTFD[Ala1288Thr]LIVVGSIVDI

ClinVar aggregate classification (germline): Conflicting classifications of pathogenicity. Review status: criteria provided, conflicting classifications (1 of 4 stars). 5 submissions from 5 submitters: Uncertain significance (1); Likely benign (4). Last evaluated 2026-08-18.

Conditions:
CACNA1C-related disorder. Also called: CACNA1C-related disorders; CACNA1C-related condition. Identifiers: MedGen CN381092, MONDO:0700321.
Cardiovascular phenotype. Identifiers: MedGen CN230736.
Long QT syndrome (LQTS). Identifiers: MedGen C0023976, MeSH D008133, MONDO:0002442. Disease mechanism: loss of function. Inheritance: Various modes of inheritance.

Allele frequency attached by ClinVar (database versions not stated): TOPMed 0.00002.
gnomAD v4.1: 73 of 1,581,326 alleles (0.0046%); highest among the groups gnomAD compares: Non-Finnish European, 0.0019%; no homozygotes.

Submissions (5):

PreventionGenetics, part of Exact Sciences
Classification: Likely benign for CACNA1C-related condition. Last evaluated: 2026-08-18. Review status: criteria provided, single submitter. Criteria: ACMG Guidelines, 2015. Collection method: clinical testing. Allele origin: germline.
Comment: This variant is classified as likely benign based on ACMG/AMP sequence variant interpretation guidelines (Richards et al. 2015 PMID: 25741868, with internal and published modifications).

Labcorp Genetics (formerly Invitae), Labcorp
Classification: Likely benign for Long QT syndrome. Last evaluated: 2026-01-26. Review status: criteria provided, single submitter. Criteria: Invitae Variant Classification Sherloc (09022015). Collection method: clinical testing. Allele origin: germline.

Blueprint Genetics
Classification: Likely benign. Last evaluated: 2024-05-27. Review status: criteria provided, single submitter. Criteria: ACMG Guidelines, 2015. Collection method: clinical testing. Allele origin: germline.

GeneDx
Classification: Uncertain significance. Last evaluated: 2023-08-30. Review status: criteria provided, single submitter. Criteria: GeneDx Variant Classification Process June 2021. Collection method: clinical testing. Allele origin: germline. Affected: yes.
Comment: Has not been previously published as pathogenic or benign to our knowledge; In silico analysis supports that this missense variant does not alter protein structure/function

Ambry Genetics
Classification: Likely benign for Cardiovascular phenotype. Last evaluated: 2022-05-27. Review status: criteria provided, single submitter. Criteria: Ambry Variant Classification Scheme 2023. Collection method: clinical testing. Allele origin: germline.